The following is an entry in ClinVar:

ClinVar aggregate classification (germline): Pathogenic. Review status: criteria provided, multiple submitters, no conflicts (2 of 4 stars). 2 submissions from 2 submitters: Pathogenic (2). Last evaluated 2025-04-10.

Conditions:
Seizure. Also called: Seizures. Identifiers: MedGen C0036572, HP:0001250.
Early-infantile DEE. Also called: Early infantile epileptic encephalopathy; Ohtahara syndrome; Early infantile epileptic encephalopathy with suppression bursts. Identifiers: Orphanet 1934, MedGen C0393706, MONDO:0800491.

Submissions (2):

Labcorp Genetics (formerly Invitae), Labcorp
Classification: Pathogenic for Early-infantile DEE. Last evaluated: 2025-04-10. Review status: criteria provided, single submitter. Criteria: Invitae Variant Classification Sherloc (09022015). Collection method: clinical testing. Allele origin: germline.
Comment: This sequence change creates a premature translational stop signal (p.Gln341*) in the KCNQ2 gene. It is expected to result in an absent or disrupted protein product. Loss-of-function variants in KCNQ2 are known to be pathogenic (PMID: 14534157, 23692823, 27779742). This variant is not present in population databases (gnomAD no frequency). This variant has not been reported in the literature in individuals affected with KCNQ2-related conditions. ClinVar contains an entry for this variant (Variation ID: 2031668). For these reasons, this variant has been classified as Pathogenic.

Cytogénomique, Hospices Civils de Lyon
Classification: Pathogenic for Seizures. Last evaluated: 2024-01-08. Review status: criteria provided, single submitter. Criteria: ACMG Guidelines, 2015. Collection method: clinical testing. Allele origin: de novo. Affected: yes. Observed: 1 variant allele, 1 compound heterozygote.

Literature cited by the submitters: PubMed 14534157 (cited by Labcorp Genetics (formerly Invitae), Labcorp); PubMed 23692823 (cited by Labcorp Genetics (formerly Invitae), Labcorp); PubMed 27779742 (cited by Labcorp Genetics (formerly Invitae), Labcorp).

NM_172107.4(KCNQ2):c.1021C>T (p.Gln341Ter)

Gene: KCNQ2 (potassium voltage-gated channel subfamily Q member 2; minus strand). Cytogenetic location: 20q13.33.
Variant type: single nucleotide variant.
Coding change: c.1021C>T on transcript NM_172107.4 (MANE Select); coding-DNA position 1021, C replaced by T.
Protein change: p.Gln341Ter; replaces glutamine 341 with a stop codon.
Molecular consequence: nonsense.
Genome position (GRCh38, 1-based): chr20:63,438,627, G>A on the plus strand (C>T on the coding strand, the complement: KCNQ2 is on the minus strand). VCF-style: chr20-63438627-G-A. GRCh37 (hg19) VCF-style: chr20-62069980-G-A.
Other names: c.1021C>T, p.Gln341Ter (NM_172108.5, NM_172109.3, NM_001382235.1 and 2 more transcripts); short protein forms Q341*.
Identifiers: ClinVar variation 2031668 (VCV002031668.6), dbSNP rs2516408449, ClinGen allele CA409652030.